The following is an entry in ClinVar:

NM_004304.5(ALK):c.3584T>G (p.Leu1195Arg)

Gene: ALK (ALK receptor tyrosine kinase; minus strand). Cytogenetic location: 2p23.2.
Variant type: single nucleotide variant.
Coding change: c.3584T>G on transcript NM_004304.5 (MANE Select); coding-DNA position 3584, T replaced by G.
Protein change: p.Leu1195Arg; replaces leucine 1195 with arginine.
Molecular consequence: missense variant.
Genome position (GRCh38, 1-based): chr2:29,220,767, A>C on the plus strand (T>G on the coding strand, the complement: ALK is on the minus strand). VCF-style: chr2-29220767-A-C. GRCh37 (hg19) VCF-style: chr2-29443633-A-C.
Other names: c.380T>G, p.Leu127Arg (NM_001353765.2); short protein forms L1195R, L127R.
Identifiers: ClinVar variation 1732929 (VCV001732929.2), dbSNP rs2148166519, ClinGen allele CA346473062.

ClinVar aggregate classification (germline): Uncertain significance (1 of 4 stars; one submission).

Conditions:
Hereditary cancer-predisposing syndrome. Also called: Neoplastic Syndromes, Hereditary; Tumor predisposition; Hereditary Cancer Syndrome; Hereditary neoplastic syndrome. Identifiers: Orphanet 140162, MedGen C0027672, MeSH D009386, MONDO:0015356.

Allele frequency attached by ClinVar (database versions not stated): gnomAD exomes below 0.00001.
gnomAD v4.1: 1 of 1,614,072 alleles (0.000062%); highest among the groups gnomAD compares: Non-Finnish European, 0.000085%; no homozygotes.

Submission:

Ambry Genetics
Classification: Uncertain significance for Hereditary cancer-predisposing syndrome. Last evaluated: 2019-12-20. Review status: criteria provided, single submitter. Criteria: Ambry Variant Classification Scheme 2023. Collection method: clinical testing. Allele origin: germline.
Comment: The p.L1195R variant (also known as c.3584T>G), located in coding exon 23 of the ALK gene, results from a T to G substitution at nucleotide position 3584. The leucine at codon 1195 is replaced by arginine, an amino acid with dissimilar properties. This amino acid position is highly conserved in available vertebrate species. In addition, this alteration is predicted to be deleterious by in silico analysis. Since supporting evidence is limited at this time, the clinical significance of this alteration remains unclear.